The following is an entry in ClinVar:

ClinVar aggregate classification (germline): Likely pathogenic. Review status: criteria provided, multiple submitters, no conflicts (2 of 4 stars). 3 submissions from 3 submitters: Likely pathogenic (2). 1 of the submissions does not count toward it. Last evaluated 2025-12-23.

Conditions:
Cardiovascular phenotype. Identifiers: MedGen CN230736.
Arrhythmogenic right ventricular dysplasia 10. Also called: Arrhythmogenic Right Ventricular Dysplasia/Cardiomyopathy10; ARRHYTHMOGENIC RIGHT VENTRICULAR DYSPLASIA, FAMILIAL, 10; Arrhythmogenic right ventricular dysplasia/cardiomyopathy, type 10. Identifiers: MedGen C1857777, MONDO:0012434, OMIM 610193.

Allele frequency attached by ClinVar (database versions not stated): gnomAD exomes below 0.00001; TOPMed 0.00001; ExAC 0.00001.

Submissions (3):

Ambry Genetics
Classification: Likely pathogenic for Cardiovascular phenotype. Last evaluated: 2025-12-23. Review status: criteria provided, single submitter. Criteria: Ambry Variant Classification Scheme 2023. Collection method: clinical testing. Allele origin: germline.
Comment: The p.N266S variant (also known as c.797A>G), located in coding exon 7 of the DSG2 gene, results from an A to G substitution at nucleotide position 797. The asparagine at codon 266 is replaced by serine, an amino acid with highly similar properties. This variant was reported in individual(s) with features consistent with arrhythmogenic right ventricular cardiomyopathy (ARVC) (Pilichou K et al. Circulation, 2006 Mar;113:1171-9; Zorzi A et al. Europace, 2016 Jul;18:1086-94; Bueno Marinas M et al. Int J Mol Sci, 2020 Feb;21:[ePub ahead of print]). In an assay testing DSG2 function, this variant showed a functionally abnormal result (Pilichou K et al. J Exp Med, 2009 Aug;206:1787-802). This amino acid position is highly conserved in available vertebrate species. In addition, the in silico prediction for this alteration is inconclusive. Based on the majority of available evidence to date, this variant is likely to be pathogenic.

GeneDx
Classification: Likely pathogenic. Last evaluated: 2025-04-23. Review status: criteria provided, single submitter. Criteria: GeneDx Variant Classification Process June 2021. Collection method: clinical testing. Allele origin: germline. Affected: yes.
Comment: In silico analysis supports that this missense variant has a deleterious effect on protein structure/function; Not observed at significant frequency in large population cohorts (gnomAD); Published functional studies suggest a damaging effect on protein function leading to cardiac disease (PMID: 19635863); This variant is associated with the following publications: (PMID: 32246823, 39120296, 22737134, 20708101, 23071725, 23911551, 30129429, 26085008, Stavtseva2024[article], 36240673, 38892395, 28578331, Beffagna2010[abstract], 37895213, 37696084, 40123482, 30885746, 22764152, Pilichou2008[abstract], 34033898, 24944760, 28957532, Rizzo2011[abstract], 25213555, 21673311, Hanns2025[preprint], 34765046, 31402444, 36129056, 36264615, 16505173, 32102357, 26138720, 24070718, 19635863)

OMIM
Classification: Pathogenic for ARRHYTHMOGENIC RIGHT VENTRICULAR DYSPLASIA, FAMILIAL, 10. Last evaluated: 2006-03-07. Review status: no assertion criteria provided. Collection method: literature only. Allele origin: germline. Not counted in ClinVar's aggregate classification.

Literature cited by the submitters: PubMed 16505173 (cited by Ambry Genetics and OMIM); PubMed 19635863 (cited by Ambry Genetics); PubMed 26138720 (cited by Ambry Genetics); PubMed 32102357 (cited by Ambry Genetics).

NM_001943.5(DSG2):c.797A>G (p.Asn266Ser)

Gene: DSG2 (desmoglein 2; plus strand). Cytogenetic location: 18q12.1.
Variant type: single nucleotide variant.
Coding change: c.797A>G on transcript NM_001943.5 (MANE Select); coding-DNA position 797, A replaced by G.
Protein change: p.Asn266Ser; replaces asparagine 266 with serine.
Molecular consequence: missense variant.
Genome position (GRCh38, 1-based): chr18:31,524,554, A>G. VCF-style: chr18-31524554-A-G. GRCh37 (hg19) VCF-style: chr18-29104517-A-G.
Other names: c.797A>G, p.Asn266Ser (LRG_397t1); c.797A>G (NM_001943.3); short protein forms N266S.
Identifiers: ClinVar variation 16815 (VCV000016815.3), dbSNP rs121913011, ClinGen allele CA022263.